The following is an entry in ClinVar:

NM_001197104.2(KMT2A):c.152C>G (p.Pro51Arg)

Gene: KMT2A (lysine methyltransferase 2A; plus strand). Cytogenetic location: 11q23.3.
Variant type: single nucleotide variant.
Coding change: c.152C>G on transcript NM_001197104.2 (MANE Select); coding-DNA position 152, C replaced by G.
Protein change: p.Pro51Arg; replaces proline 51 with arginine.
Molecular consequence: missense variant.
Genome position (GRCh38, 1-based): chr11:118,436,664, C>G. VCF-style: chr11-118436664-C-G. GRCh37 (hg19) VCF-style: chr11-118307379-C-G.
Other names: c.152C>G, p.Pro51Arg (NM_001412597.1, NM_005933.4); short protein forms P51R.
Identifiers: ClinVar variation 2116629 (VCV002116629.4), dbSNP rs1949187148, ClinGen allele CA382797363.

ClinVar aggregate classification (germline): Uncertain significance (1 of 4 stars; one submission).

Allele frequency attached by ClinVar (database versions not stated): TOPMed below 0.00001.
gnomAD v4.1: 7 of 1,208,154 alleles (0.00058%); highest among the groups gnomAD compares: Non-Finnish European, 0.00072%; no homozygotes.

Submission:

Labcorp Genetics (formerly Invitae), Labcorp
Classification: Uncertain significance. Last evaluated: 2023-04-24. Review status: criteria provided, single submitter. Criteria: Invitae Variant Classification Sherloc (09022015). Collection method: clinical testing. Allele origin: germline.
Comment: In summary, the available evidence is currently insufficient to determine the role of this variant in disease. Therefore, it has been classified as a Variant of Uncertain Significance. Advanced modeling of protein sequence and biophysical properties (such as structural, functional, and spatial information, amino acid conservation, physicochemical variation, residue mobility, and thermodynamic stability) has been performed at Invitae for this missense variant, however the output from this modeling did not meet the statistical confidence thresholds required to predict the impact of this variant on KMT2A protein function. ClinVar contains an entry for this variant (Variation ID: 2116629). This variant has not been reported in the literature in individuals affected with KMT2A-related conditions. The frequency data for this variant in the population databases is considered unreliable, as metrics indicate insufficient coverage at this position in the gnomAD database. This sequence change replaces proline, which is neutral and non-polar, with arginine, which is basic and polar, at codon 51 of the KMT2A protein (p.Pro51Arg).